The following is an entry in ClinVar:

NM_000384.3(APOB):c.13390G>A (p.Glu4464Lys)

Gene: APOB (apolipoprotein B; minus strand). Cytogenetic location: 2p24.1.
Variant type: single nucleotide variant.
Coding change: c.13390G>A on transcript NM_000384.3 (MANE Select); coding-DNA position 13390, G replaced by A.
Protein change: p.Glu4464Lys; replaces glutamic acid 4464 with lysine.
Molecular consequence: missense variant.
Genome position (GRCh38, 1-based): chr2:21,002,032, C>T on the plus strand (G>A on the coding strand, the complement: APOB is on the minus strand). VCF-style: chr2-21002032-C-T. GRCh37 (hg19) VCF-style: chr2-21224904-C-T.
Other names: short protein forms E4464K.
Identifiers: ClinVar variation 3933385 (VCV003933385.1).

ClinVar aggregate classification (germline): Uncertain significance (1 of 4 stars; one submission).

Conditions:
Cardiovascular phenotype. Identifiers: MedGen CN230736.

Submission:

Ambry Genetics
Classification: Uncertain significance for Cardiovascular phenotype. Last evaluated: 2025-06-10. Review status: criteria provided, single submitter. Criteria: Ambry Variant Classification Scheme 2023. Collection method: clinical testing. Allele origin: germline.
Comment: The p.E4464K variant (also known as c.13390G>A), located in coding exon 29 of the APOB gene, results from a G to A substitution at nucleotide position 13390. The glutamic acid at codon 4464 is replaced by lysine, an amino acid with similar properties. This amino acid position is conserved. In addition, this alteration is predicted to be tolerated by in silico analysis. Based on the available evidence, the clinical significance of this variant remains unclear.